The following is an entry in ClinVar:

ClinVar aggregate classification (germline): Uncertain significance. Review status: criteria provided, multiple submitters, no conflicts (2 of 4 stars). 2 submissions from 2 submitters: Uncertain significance (2). Last evaluated 2025-04-20.

gnomAD v4.1: 31 of 1,542,718 alleles (0.002%); highest among the groups gnomAD compares: Middle Eastern, 0.017%; 1 homozygote.

Submissions (2):

Ambry Genetics
Classification: Uncertain significance. Last evaluated: 2025-04-20. Review status: criteria provided, single submitter. Criteria: Ambry Variant Classification Scheme 2023. Collection method: clinical testing. Allele origin: germline.

GeneDx
Classification: Uncertain significance. Last evaluated: 2025-01-09. Review status: criteria provided, single submitter. Criteria: GeneDx Variant Classification Process June 2021. Collection method: clinical testing. Allele origin: germline. Affected: yes.
Comment: In silico analysis indicates that this missense variant does not alter protein structure/function; Has not been previously published as pathogenic or benign to our knowledge

NM_001367479.1(DNAH14):c.2696C>T (p.Thr899Ile)

Gene: DNAH14 (dynein axonemal heavy chain 14; plus strand). Cytogenetic location: 1q42.12.
Variant type: single nucleotide variant.
Coding change: c.2696C>T on transcript NM_001367479.1 (MANE Select); coding-DNA position 2696, C replaced by T.
Protein change: p.Thr899Ile; replaces threonine 899 with isoleucine.
Molecular consequence: missense variant.
Genome position (GRCh38, 1-based): chr1:225,079,478, C>T. VCF-style: chr1-225079478-C-T. GRCh37 (hg19) VCF-style: chr1-225267180-C-T.
Other names: NM_001373.1:c.2696C>T; short protein forms T899I.
Identifiers: ClinVar variation 3371792 (VCV003371792.3).
Genomic context (GRCh38, chr1:225,079,478, plus strand): 5'-AGTTTAGTCAACTAAAATCATCTATGAAGTTAAGTAAAATAAATAAAGACACTGCTATAA[C>T]TAAATTCAGAGATAACTTGGAAGCATGTATCAGTGGTCTACATGTTGATGTTGGCAATTT-3'
Protein context (NP_001354408.1, residues 889-909): LSKINKDTAI[Thr899Ile]KFRDNLEACI